The following is an entry in ClinVar:

ClinVar aggregate classification (germline): Conflicting classifications of pathogenicity. Review status: criteria provided, conflicting classifications (1 of 4 stars). 3 submissions from 3 submitters: Uncertain significance (1); Likely benign (2). Last evaluated 2025-11-07.

Conditions:
POLD1-related polyposis and colorectal cancer syndrome (CRCS10). Also called: Colorectal cancer 10; COLORECTAL CANCER, SUSCEPTIBILITY TO, ON CHROMOSOME 19q; Colorectal cancer, susceptibility to, 10. Identifiers: Orphanet 220460, MedGen C2675481, MONDO:0012953, OMIM 612591.

Allele frequency attached by ClinVar (database versions not stated): gnomAD exomes below 0.00001; gnomAD 0.00001; TOPMed 0.00002.

Submissions (3):

Labcorp Genetics (formerly Invitae), Labcorp
Classification: Uncertain significance for POLD1-related polyposis and colorectal cancer syndrome. Last evaluated: 2025-11-07. Review status: criteria provided, single submitter. Criteria: Invitae Variant Classification Sherloc (09022015). Collection method: clinical testing. Allele origin: germline.
Comment: This sequence change falls in intron 25 of the POLD1 gene. It does not directly change the encoded amino acid sequence of the POLD1 protein. It affects a nucleotide within the consensus splice site. This variant is not present in population databases (gnomAD no frequency). This variant has not been reported in the literature in individuals affected with POLD1-related conditions. ClinVar contains an entry for this variant (Variation ID: 516980). Variants that disrupt the consensus splice site are a relatively common cause of aberrant splicing (PMID: 17576681, 9536098). Algorithms developed to predict the effect of sequence changes on RNA splicing suggest that this variant is not likely to affect RNA splicing. In summary, the available evidence is currently insufficient to determine the role of this variant in disease. Therefore, it has been classified as a Variant of Uncertain Significance.

GeneDx
Classification: Likely benign. Last evaluated: 2019-10-22. Review status: criteria provided, single submitter. Criteria: GeneDx Variant Classification Process June 2021. Collection method: clinical testing. Allele origin: germline. Affected: yes.

Mendelics
Classification: Likely benign for POLD1-related polyposis and colorectal cancer syndrome. Last evaluated: 2019-05-28. Review status: criteria provided, single submitter. Criteria: Mendelics Assertion Criteria 2017. Collection method: clinical testing. Allele origin: unknown.

Literature cited by the submitters: PubMed 17576681 (cited by Labcorp Genetics (formerly Invitae), Labcorp); PubMed 9536098 (cited by Labcorp Genetics (formerly Invitae), Labcorp).

NM_002691.4(POLD1):c.3120+6A>G

Gene: POLD1 (DNA polymerase delta 1, catalytic subunit; plus strand). Cytogenetic location: 19q13.33.
Variant type: single nucleotide variant.
Coding change: c.3120+6A>G on transcript NM_002691.4 (MANE Select); 6 bases into the intron after coding-DNA position 3120, A replaced by G.
Molecular consequence: intron variant.
Genome position (GRCh38, 1-based): chr19:50,417,103, A>G. VCF-style: chr19-50417103-A-G. GRCh37 (hg19) VCF-style: chr19-50920360-A-G.
Other names: c.3120+6A>G (NM_001256849.1, LRG_785t1); c.3198+6A>G (NM_001308632.1, LRG_785t2).
Identifiers: ClinVar variation 516980 (VCV000516980.13), dbSNP rs1231856737, ClinGen allele CA658799277.